The following is an entry in ClinVar:

NM_014244.5(ADAMTS2):c.431del (p.Gly144fs)

Gene: ADAMTS2 (ADAM metallopeptidase with thrombospondin type 1 motif 2; minus strand). Cytogenetic location: 5q35.3.
Variant type: Deletion.
Coding change: c.431del on transcript NM_014244.5 (MANE Select); coding-DNA position 431, one base deleted (G; older notation c.431delG).
Protein change: p.Gly144fs; shifts the reading frame from glycine 144.
Molecular consequence: frameshift variant.
Genome position (GRCh38, 1-based): chr5:179,343,870, C deleted on the plus strand (G on the coding strand, the reverse complement: ADAMTS2 is on the minus strand); the first of 3 consecutive C bases (chr5:179,343,870-179,343,872); deleting any one gives the same sequence. VCF-style (leftmost placement, unchanged base first): chr5-179343869-GC-G. GRCh37 (hg19) VCF-style: chr5-178770870-GC-G.
Other names: c.431del, p.Gly144fs (NM_021599.4); short protein forms G144fs.
Identifiers: ClinVar variation 2700680 (VCV002700680.3), dbSNP rs2532189921, ClinGen allele CA2697546608.

ClinVar aggregate classification (germline): Pathogenic (1 of 4 stars; one submission).

Conditions:
Ehlers-Danlos syndrome, dermatosparaxis type. Also called: Dermatosparaxis; Ehlers-Danlos syndrome, type VII, autosomal recessive; EDS VIIC. Identifiers: Orphanet 1901, MedGen C2700425, MONDO:0009161, OMIM 225410.

Submission:

Labcorp Genetics (formerly Invitae), Labcorp
Classification: Pathogenic for Ehlers-Danlos syndrome, dermatosparaxis type. Last evaluated: 2023-12-03. Review status: criteria provided, single submitter. Criteria: Invitae Variant Classification Sherloc (09022015). Collection method: clinical testing. Allele origin: germline.
Comment: This sequence change creates a premature translational stop signal (p.Gly144Alafs*21) in the ADAMTS2 gene. It is expected to result in an absent or disrupted protein product. Loss-of-function variants in ADAMTS2 are known to be pathogenic (PMID: 10417273). This variant is not present in population databases (gnomAD no frequency). This variant has not been reported in the literature in individuals affected with ADAMTS2-related conditions. For these reasons, this variant has been classified as Pathogenic.

Literature cited by the submitters: PubMed 10417273.